The following is an entry in ClinVar:

NM_015346.4(ZFYVE26):c.2299C>T (p.Arg767Cys)

Gene: ZFYVE26 (zinc finger FYVE-type containing 26; minus strand). Cytogenetic location: 14q24.1.
Variant type: single nucleotide variant.
Coding change: c.2299C>T on transcript NM_015346.4 (MANE Select); coding-DNA position 2299, C replaced by T.
Protein change: p.Arg767Cys; replaces arginine 767 with cysteine.
Molecular consequence: missense variant.
Genome position (GRCh38, 1-based): chr14:67,797,705, G>A on the plus strand (C>T on the coding strand, the complement: ZFYVE26 is on the minus strand). VCF-style: chr14-67797705-G-A. GRCh37 (hg19) VCF-style: chr14-68264422-G-A.
Other names: short protein forms R767C.
Identifiers: ClinVar variation 1469091 (VCV001469091.9), dbSNP rs865826144, ClinGen allele CA262867239.

ClinVar aggregate classification (germline): Uncertain significance. Review status: criteria provided, multiple submitters, no conflicts (2 of 4 stars). 2 submissions from 2 submitters: Uncertain significance (2). Last evaluated 2024-10-15.

Conditions:
Spastic paraplegia. Identifiers: MedGen C0037772, HP:0001258.

Allele frequency attached by ClinVar (database versions not stated): TOPMed below 0.00001; gnomAD exomes 0.00001; gnomAD 0.00002.
gnomAD v4.1: 15 of 1,614,060 alleles (0.00093%); highest among the groups gnomAD compares: South Asian, 0.0066%; no homozygotes.

Submissions (2):

Labcorp Genetics (formerly Invitae), Labcorp
Classification: Uncertain significance for Spastic paraplegia. Last evaluated: 2024-10-15. Review status: criteria provided, single submitter. Criteria: Invitae Variant Classification Sherloc (09022015). Collection method: clinical testing. Allele origin: germline.
Comment: This sequence change replaces arginine, which is basic and polar, with cysteine, which is neutral and slightly polar, at codon 767 of the ZFYVE26 protein (p.Arg767Cys). This variant is present in population databases (no rsID available, gnomAD 0.004%). This variant has not been reported in the literature in individuals affected with ZFYVE26-related conditions. ClinVar contains an entry for this variant (Variation ID: 1469091). An algorithm developed to predict the effect of missense changes on protein structure and function outputs the following: PolyPhen-2: "Possibly Damaging". The cysteine amino acid residue is found in multiple mammalian species, which suggests that this missense change does not adversely affect protein function. In summary, the available evidence is currently insufficient to determine the role of this variant in disease. Therefore, it has been classified as a Variant of Uncertain Significance.

Blueprint Genetics
Classification: Uncertain significance. Last evaluated: 2024-03-22. Review status: criteria provided, single submitter. Criteria: ACMG Guidelines, 2015. Collection method: clinical testing. Allele origin: germline.